The following is an entry in ClinVar:

NM_024426.6(WT1):c.107A>T (p.Gln36Leu)

Genes: WT1 (WT1 transcription factor; minus strand), LOC107982234 (WT1/WT1-AS bi-directional promoter region; plus strand). Cytogenetic location: 11p13.
Variant type: single nucleotide variant.
Coding change: c.107A>T on transcript NM_024426.6 (MANE Select); coding-DNA position 107, A replaced by T.
Protein change: p.Gln36Leu; replaces glutamine 36 with leucine.
Molecular consequence: missense variant. On other transcripts: non-coding transcript variant (1).
Genome position (GRCh38, 1-based): chr11:32,435,254, T>A on the plus strand (A>T on the coding strand, the complement: WT1 is on the minus strand). VCF-style: chr11-32435254-T-A. GRCh37 (hg19) VCF-style: chr11-32456800-T-A.
Other names: c.107A>T, p.Gln36Leu (NM_000378.6, NM_001407044.1, NM_001407045.1 and 6 more transcripts); c.92A>T, p.Gln31Leu (NM_024425.2); short protein forms Q36L, Q31L.
Identifiers: ClinVar variation 1999186 (VCV001999186.4), dbSNP rs1166762677, ClinGen allele CA379966368.

ClinVar aggregate classification (germline): Uncertain significance (1 of 4 stars; one submission).

Conditions:
Drash syndrome (DDS). Also called: NEPHROPATHY, WILMS TUMOR, AND GENITAL ANOMALIES; WILMS TUMOR AND PSEUDO- OR TRUE HERMAPHRODITISM. Identifiers: Orphanet 220, MedGen C0950121, MONDO:0008682, OMIM 194080.
Frasier syndrome. Identifiers: Orphanet 347, MedGen C0950122, MeSH D052159, MONDO:0007635, OMIM 136680.
Wilms tumor 1 (WT1). Also called: Wilms tumor, somatic. Identifiers: Orphanet 654, MedGen CN033288, MONDO:0008679, OMIM 194070.
11p partial monosomy syndrome (WAGR). Also called: WAGR Complex; WAGR Spectrum Disorder; WAGR syndrome; CHROMOSOME 11p13 DELETION SYNDROME. Identifiers: Orphanet 893, MedGen C0206115, MONDO:0008681, OMIM 194072.

Submission:

Labcorp Genetics (formerly Invitae), Labcorp
Classification: Uncertain significance for Wilms tumor 1; Drash syndrome; 11p partial monosomy syndrome; Frasier syndrome. Last evaluated: 2022-05-26. Review status: criteria provided, single submitter. Criteria: Invitae Variant Classification Sherloc (09022015). Collection method: clinical testing. Allele origin: germline.
Comment: This variant has not been reported in the literature in individuals affected with WT1-related conditions. In summary, the available evidence is currently insufficient to determine the role of this variant in disease. Therefore, it has been classified as a Variant of Uncertain Significance. Algorithms developed to predict the effect of missense changes on protein structure and function output the following: SIFT: "Deleterious"; PolyPhen-2: "Benign"; Align-GVGD: "Class C0". The leucine amino acid residue is found in multiple mammalian species, which suggests that this missense change does not adversely affect protein function. This variant is not present in population databases (gnomAD no frequency). This sequence change replaces glutamine, which is neutral and polar, with leucine, which is neutral and non-polar, at codon 31 of the WT1 protein (p.Gln31Leu).